The following is an entry in ClinVar:

ClinVar aggregate classification (germline): Conflicting classifications of pathogenicity. Review status: criteria provided, conflicting classifications (1 of 4 stars). 2 submissions from 2 submitters: Likely pathogenic (1); Uncertain significance (1). Last evaluated 2025-12-04.

Submissions (2):

Women's Health and Genetics/Laboratory Corporation of America, LabCorp
Classification: Uncertain significance. Last evaluated: 2025-12-04. Review status: criteria provided, single submitter. Criteria: LabCorp Variant Classification Summary - May 2015. Collection method: clinical testing. Allele origin: germline.
Comment: Variant summary: FH c.1275T>A (p.Asp425Glu) results in a conservative amino acid change in the encoded protein sequence. Algorithms developed to predict the effect of missense changes on protein structure and function are either unavailable or do not agree on the potential impact of this missense change. The variant was absent in 251222 control chromosomes. The available data on variant occurrences in the general population are insufficient to allow any conclusion about variant significance. To our knowledge, no occurrence of c.1275T>A in individuals affected with FH-related conditions and no experimental evidence demonstrating its impact on protein function have been reported. A different variant affecting the same codon has been classified as likely pathogenic/pathogenic by our lab (c.1274A>T, &same_codon_pdot&), supporting the critical relevance of codon 425 to FH protein function. ClinVar contains an entry for this variant (Variation ID: 2081604). Based on the evidence outlined above, the variant was classified as uncertain significance.

Labcorp Genetics (formerly Invitae), Labcorp
Classification: Likely pathogenic. Last evaluated: 2024-04-22. Review status: criteria provided, single submitter. Criteria: Invitae Variant Classification Sherloc (09022015). Collection method: clinical testing. Allele origin: germline.
Comment: This sequence change replaces aspartic acid, which is acidic and polar, with glutamic acid, which is acidic and polar, at codon 425 of the FH protein (p.Asp425Glu). This variant is not present in population databases (gnomAD no frequency). This variant has not been reported in the literature in individuals affected with FH-related conditions. ClinVar contains an entry for this variant (Variation ID: 2081604). Advanced modeling of protein sequence and biophysical properties (such as structural, functional, and spatial information, amino acid conservation, physicochemical variation, residue mobility, and thermodynamic stability) has been performed at Invitae for this missense variant, however the output from this modeling did not meet the statistical confidence thresholds required to predict the impact of this variant on FH protein function. This variant disrupts the p.Asp425 amino acid residue in FH. Other variant(s) that disrupt this residue have been determined to be pathogenic (PMID: 9635293). This suggests that this residue is clinically significant, and that variants that disrupt this residue are likely to be disease-causing. In summary, the currently available evidence indicates that the variant is pathogenic, but additional data are needed to prove that conclusively. Therefore, this variant has been classified as Likely Pathogenic.

Literature cited by the submitters: PubMed 9635293 (cited by Labcorp Genetics (formerly Invitae), Labcorp).

NM_000143.4(FH):c.1275T>A (p.Asp425Glu)

Gene: FH (fumarate hydratase; minus strand). Cytogenetic location: 1q43.
Variant type: single nucleotide variant.
Coding change: c.1275T>A on transcript NM_000143.4 (MANE Select); coding-DNA position 1275, T replaced by A.
Protein change: p.Asp425Glu; replaces aspartic acid 425 with glutamic acid.
Molecular consequence: missense variant.
Genome position (GRCh38, 1-based): chr1:241,500,552, A>T on the plus strand (T>A on the coding strand, the complement: FH is on the minus strand). VCF-style: chr1-241500552-A-T. GRCh37 (hg19) VCF-style: chr1-241663852-A-T.
Other names: short protein forms D425E.
Identifiers: ClinVar variation 2081604 (VCV002081604.5), dbSNP rs2147913278, ClinGen allele CA345436807.